The following is an entry in ClinVar:

ClinVar aggregate classification (germline): Conflicting classifications of pathogenicity. Review status: criteria provided, conflicting classifications (1 of 4 stars). 3 submissions from 3 submitters: Uncertain significance (1); Likely benign (2). Last evaluated 2024-12-02.

Conditions:
Dyskeratosis congenita. Identifiers: Orphanet 1775, MedGen C0265965, MONDO:0015780.
Dyskeratosis congenita, autosomal dominant 2. Identifiers: MedGen C3151443, MONDO:0013521, OMIM 613989.
Idiopathic Pulmonary Fibrosis. Also called: Idiopathic fibrosing alveolitis, chronic form; idiopathic fibrosing alveolitis. Identifiers: Orphanet 2032, MedGen C1800706, MeSH D054990, MONDO:0800504.

gnomAD v4.1: 11 of 1,585,246 alleles (0.00069%); highest among the groups gnomAD compares: Middle Eastern, 0.017%; no homozygotes.

Submissions (3):

Labcorp Genetics (formerly Invitae), Labcorp
Classification: Likely benign for Dyskeratosis congenita, autosomal dominant 2; Idiopathic Pulmonary Fibrosis. Last evaluated: 2024-12-02. Review status: criteria provided, single submitter. Criteria: Invitae Variant Classification Sherloc (09022015). Collection method: clinical testing. Allele origin: germline.

Ambry Genetics
Classification: Likely benign for Dyskeratosis congenita. Last evaluated: 2023-04-18. Review status: criteria provided, single submitter. Criteria: Ambry Variant Classification Scheme 2023. Collection method: clinical testing. Allele origin: germline.

Sema4
Classification: Uncertain significance for Dyskeratosis congenita. Last evaluated: 2021-08-06. Review status: criteria provided, single submitter. Criteria: Sema4 Curation Guidelines. Collection method: curation. Allele origin: germline.
Comment: The TERT c.777G>A (p.P259=) variant has not been reported in the literature to our knowledge. It was observed in 3/221832 chromosomes in the large and broad cohorts of the Genome Aggregation Database (PMID: 32461654). The variant has been reported in ClinVar (Variation ID 970991). In silico tools suggest the variant may potentially have an impact on splicing, though these predictions have not been confirmed by functional studies. The evidence is insufficient to meet ACMG/AMP criteria for classifying the variant as benign or pathogenic. Thus, the clinical significance of this variant is currently uncertain.

NM_198253.3(TERT):c.777G>A (p.Pro259=)

Gene: TERT (telomerase reverse transcriptase; minus strand). Cytogenetic location: 5p15.33.
Variant type: single nucleotide variant.
Coding change: c.777G>A on transcript NM_198253.3 (MANE Select); coding-DNA position 777, G replaced by A.
Protein change: p.Pro259=; no amino-acid change (proline 259 retained).
Molecular consequence: synonymous variant. On other transcripts: non-coding transcript variant (2).
Genome position (GRCh38, 1-based): chr5:1,294,109, C>T on the plus strand (G>A on the coding strand, the complement: TERT is on the minus strand). VCF-style: chr5-1294109-C-T. GRCh37 (hg19) VCF-style: chr5-1294224-C-T.
Other names: c.777G>A, p.Pro259= (NM_001193376.3).
Identifiers: ClinVar variation 970991 (VCV000970991.10), dbSNP rs746036694, ClinGen allele CA3184916.